The following is an entry in ClinVar:

NM_001267550.2(TTN):c.63291T>C (p.Ile21097=)

Genes: TTN (titin; minus strand), TTN-AS1 (TTN antisense RNA 1; plus strand). Cytogenetic location: 2q31.2.
Variant type: single nucleotide variant.
Coding change: c.63291T>C on transcript NM_001267550.2 (MANE Select); coding-DNA position 63291, T replaced by C.
Protein change: p.Ile21097=; no amino-acid change (isoleucine 21097 retained).
Molecular consequence: synonymous variant.
Genome position (GRCh38, 1-based): chr2:178,588,116, A>G on the plus strand (T>C on the coding strand, the complement: TTN is on the minus strand). VCF-style: chr2-178588116-A-G. GRCh37 (hg19) VCF-style: chr2-179452843-A-G.
Other names: c.55587T>C, p.Ile18529= (NM_133378.4); c.58368T>C, p.Ile19456= (NM_001256850.1); c.36096T>C, p.Ile12032= (NM_003319.4); c.36471T>C, p.Ile12157= (NM_133432.3); c.36672T>C, p.Ile12224= (NM_133437.4).
Identifiers: ClinVar variation 47193 (VCV000047193.5), dbSNP rs397517653, ClinGen allele CA140276.

ClinVar aggregate classification (germline): Likely benign (1 of 4 stars; one submission).

Allele frequency attached by ClinVar (database versions not stated): gnomAD exomes below 0.00001.
gnomAD v4.1: 2 of 1,612,924 alleles (0.00012%); highest among the groups gnomAD compares: Non-Finnish European, 0.00017%; no homozygotes.

Submission:

Laboratory for Molecular Medicine, Mass General Brigham Personalized Medicine
Classification: Likely benign. Last evaluated: 2012-02-17. Review status: criteria provided, single submitter. Criteria: LMM Criteria. Collection method: clinical testing. Allele origin: germline. Observed: 1 variant allele.
Comment: Ile18529Ile in exon 254 of TTN: This variant is not expected to have clinical si gnificance because it does not alter an amino acid residue and is not located wi thin the splice consensus sequence. Ile18529Ile in exon 254 of TTN (allele freq uency = n/a)